The following is an entry in ClinVar:

NM_006231.4(POLE):c.6356C>G (p.Thr2119Arg)

Gene: POLE (DNA polymerase epsilon, catalytic subunit; minus strand). Cytogenetic location: 12q24.33.
Variant type: single nucleotide variant.
Coding change: c.6356C>G on transcript NM_006231.4 (MANE Select); coding-DNA position 6356, C replaced by G.
Protein change: p.Thr2119Arg; replaces threonine 2119 with arginine.
Molecular consequence: missense variant.
Genome position (GRCh38, 1-based): chr12:132,626,292, G>C on the plus strand (C>G on the coding strand, the complement: POLE is on the minus strand). VCF-style: chr12-132626292-G-C. GRCh37 (hg19) VCF-style: chr12-133202878-G-C.
Other names: short protein forms T2119R.
Identifiers: ClinVar variation 1519591 (VCV001519591.8), dbSNP rs2138432340, ClinGen allele CA387367842.

ClinVar aggregate classification (germline): Uncertain significance (1 of 4 stars; one submission).

Submission:

Labcorp Genetics (formerly Invitae), Labcorp
Classification: Uncertain significance. Last evaluated: 2025-09-02. Review status: criteria provided, single submitter. Criteria: Invitae Variant Classification Sherloc (09022015). Collection method: clinical testing. Allele origin: germline.
Comment: This sequence change replaces threonine, which is neutral and polar, with arginine, which is basic and polar, at codon 2119 of the POLE protein (p.Thr2119Arg). This variant is not present in population databases (gnomAD no frequency). This variant has not been reported in the literature in individuals affected with POLE-related conditions. ClinVar contains an entry for this variant (Variation ID: 1519591). Invitae Evidence Modeling of protein sequence and biophysical properties (such as structural, functional, and spatial information, amino acid conservation, physicochemical variation, residue mobility, and thermodynamic stability) indicates that this missense variant is not expected to disrupt POLE protein function with a negative predictive value of 80%. In summary, the available evidence is currently insufficient to determine the role of this variant in disease. Therefore, it has been classified as a Variant of Uncertain Significance.